The following is an entry in ClinVar:

ClinVar aggregate classification (germline): Uncertain significance (1 of 4 stars; one submission).

Conditions:
Hereditary cancer-predisposing syndrome. Also called: Neoplastic Syndromes, Hereditary; Tumor predisposition; Hereditary Cancer Syndrome; Hereditary neoplastic syndrome. Identifiers: Orphanet 140162, MedGen C0027672, MeSH D009386, MONDO:0015356.

Submission:

Ambry Genetics
Classification: Uncertain significance for Hereditary cancer-predisposing syndrome. Last evaluated: 2024-11-25. Review status: criteria provided, single submitter. Criteria: Ambry Variant Classification Scheme 2023. Collection method: clinical testing. Allele origin: germline.
Comment: The p.T2629N variant (also known as c.7886C>A), located in coding exon 15 of the APC gene, results from a C to A substitution at nucleotide position 7886. The threonine at codon 2629 is replaced by asparagine, an amino acid with similar properties. This amino acid position is conserved. In addition, in silico predictors for this gene do not accurately predict pathogenicity. Based on the available evidence, the clinical significance of this variant remains unclear.

NM_000038.6(APC):c.7886C>A (p.Thr2629Asn)

Gene: APC (APC regulator of Wnt signaling pathway; plus strand). Cytogenetic location: 5q22.2.
Variant type: single nucleotide variant.
Coding change: c.7886C>A on transcript NM_000038.6 (MANE Select); coding-DNA position 7886, C replaced by A.
Protein change: p.Thr2629Asn; replaces threonine 2629 with asparagine.
Molecular consequence: missense variant. On other transcripts: non-coding transcript variant (2).
Genome position (GRCh38, 1-based): chr5:112,843,480, C>A. VCF-style: chr5-112843480-C-A. GRCh37 (hg19) VCF-style: chr5-112179177-C-A.
Other names: c.7886C>A, p.Thr2629Asn (NM_001127510.3, NM_001354895.2, NM_001407450.1); c.7832C>A, p.Thr2611Asn (NM_001127511.3); c.7940C>A, p.Thr2647Asn (NM_001354896.2, NM_001407447.1, NM_001407448.1 and 1 more transcripts); c.7916C>A, p.Thr2639Asn (NM_001354897.2); c.7811C>A, p.Thr2604Asn (NM_001354898.2); c.7802C>A, p.Thr2601Asn (NM_001354899.2); c.7763C>A, p.Thr2588Asn (NM_001354900.2); c.7709C>A, p.Thr2570Asn (NM_001354901.2, NM_001407453.1); and 11 more; short protein forms T2500N, T2503N, T2570N, T2588N, T2604N, T2619N, T2647N, T2657N.
Identifiers: ClinVar variation 3412530 (VCV003412530.1).